The following is an entry in ClinVar:

NM_181882.3(PRX):c.2145T>A (p.Cys715Ter)

Gene: PRX (periaxin; minus strand). Cytogenetic location: 19q13.2.
Variant type: single nucleotide variant.
Coding change: c.2145T>A on transcript NM_181882.3 (MANE Select); coding-DNA position 2145, T replaced by A.
Protein change: p.Cys715Ter; replaces cysteine 715 with a stop codon.
Molecular consequence: nonsense. On other transcripts: 3 prime UTR variant (1).
Genome position (GRCh38, 1-based): chr19:40,396,207, A>T on the plus strand (T>A on the coding strand, the complement: PRX is on the minus strand). VCF-style: chr19-40396207-A-T. GRCh37 (hg19) VCF-style: chr19-40902114-A-T.
Other names: p.Cys715*; c.*2350T>A (NM_020956.2); short protein forms C715*.
Identifiers: ClinVar variation 4792 (VCV000004792.66), dbSNP rs104894707, ClinGen allele CA343107.
Genomic context (GRCh38, chr19:40,396,207, plus strand): 5'-CATCTCAGGCACCTTGGGGAGTTTTATCTCTGGGAGCTTCATGTCAGGGACTTTCATTTC[A>T]CAGACTTTGGGCAGCTGCACCTCTGGGAGGTGCACATCGGGCACGGCCATTTCAGGCACC-3'

ClinVar aggregate classification (germline): Pathogenic/Likely pathogenic. Review status: criteria provided, multiple submitters, no conflicts (2 of 4 stars). 12 submissions from 12 submitters: Pathogenic (7); Likely pathogenic (3). 2 of the submissions do not count toward it. Last evaluated 2026-09-09.

Conditions:
PRX-related disorder. Also called: PRX-Related Disorders; PRX-related condition.
Inborn genetic diseases. Identifiers: MedGen C0950123, MeSH D030342.
Charcot-Marie-Tooth disease. Also called: Charcot-Marie-Tooth Hereditary Neuropathy; Charcot-Marie-Tooth Neuropathy. Identifiers: Orphanet 166, MedGen C0007959, MONDO:0015626.
Charcot-Marie-Tooth disease type 4. Also called: Charcot-Marie-Tooth disease, type IV; Charcot-Marie-Tooth, Type 4. Identifiers: Orphanet 64749, MedGen C4082197, MONDO:0018995.
Charcot-Marie-Tooth disease type 4F. Also called: Charcot-Marie-Tooth disease, demyelinating, type 4F. Identifiers: Orphanet 99952, MedGen C3540453, MONDO:0013959, OMIM 614895.

Allele frequency attached by ClinVar (database versions not stated): gnomAD exomes 0.00001 and 0.00002; ExAC 0.00002; gnomAD 0.00005 and 0.00006.
gnomAD v4.1: 37 of 1,593,470 alleles (0.0023%); highest among the groups gnomAD compares: Non-Finnish European, 0.0029%; no homozygotes.

Submissions (12):

PreventionGenetics, part of Exact Sciences
Classification: Pathogenic for PRX-related condition. Last evaluated: 2026-09-09. Review status: criteria provided, single submitter. Criteria: ACMG Guidelines, 2015. Collection method: clinical testing. Allele origin: germline.
Comment: The PRX c.2145T>A variant is predicted to result in premature protein termination (p.Cys715*). This variant has been reported in the homozygous state in two unrelated individuals with a phenotype consistent with Charcot-Marie-Tooth disease (Takashima et al. 2002. PubMed ID: 12112076; Baets et al. 2011. PubMed ID: 21840889). This variant is reported in 0.0031% of alleles in individuals of European (non-Finnish) descent in gnomAD. Nonsense variants in PRX are expected to be pathogenic. This variant is interpreted as pathogenic.

Labcorp Genetics (formerly Invitae), Labcorp
Classification: Pathogenic for Charcot-Marie-Tooth disease type 4. Last evaluated: 2025-09-22. Review status: criteria provided, single submitter. Criteria: Invitae Variant Classification Sherloc (09022015). Collection method: clinical testing. Allele origin: germline.
Comment: This sequence change creates a premature translational stop signal (p.Cys715*) in the PRX gene. While this is not anticipated to result in nonsense mediated decay, it is expected to disrupt the last 747 amino acid(s) of the PRX protein. This variant is present in population databases (rs104894707, gnomAD 0.004%). This premature translational stop signal has been observed in individual(s) with Charcot-Marie-Tooth disease (PMID: 12112076). It has also been observed to segregate with disease in related individuals. ClinVar contains an entry for this variant (Variation ID: 4792). This variant disrupts a region of the PRX protein in which other variant(s) (p.Arg1070*) have been determined to be pathogenic (PMID: 15197604, 15469949, 16770524, 22847150, 26059842). This suggests that this is a clinically significant region of the protein, and that variants that disrupt it are likely to be disease-causing. For these reasons, this variant has been classified as Pathogenic.

Mayo Clinic Laboratories, Mayo Clinic
Classification: Likely pathogenic. Last evaluated: 2025-07-31. Review status: criteria provided, single submitter. Criteria: ACMG Guidelines, 2015. Collection method: clinical testing. Allele origin: germline. Observed: 1 variant allele.
Comment: PP1, PM2_supporting, PM3, PVS1_strong

CeGaT Center for Human Genetics Tuebingen
Classification: Likely pathogenic. Last evaluated: 2024-04-01. Review status: criteria provided, single submitter. Criteria: CeGaT Center For Human Genetics Tuebingen Variant Classification Criteria Version 2. Collection method: clinical testing. Allele origin: germline. Affected: yes. Observed: 5 variant alleles.
Comment: PRX: PVS1:Strong, PM2, PM3

GeneDx
Classification: Likely pathogenic. Last evaluated: 2022-10-12. Review status: criteria provided, single submitter. Criteria: GeneDx Variant Classification Process June 2021. Collection method: clinical testing. Allele origin: germline. Affected: yes.
Comment: Nonsense variant predicted to result in protein truncation, as the last 747 amino acids are lost, and other loss-of-function variants have been reported downstream in HGMD; Not observed at significant frequency in large population cohorts (gnomAD); This variant is associated with the following publications: (PMID: 12112076, 21840889, 20625412, 32085570)

MGZ Medical Genetics Center
Classification: Pathogenic for Charcot-Marie-Tooth disease type 4F. Last evaluated: 2022-07-26. Review status: criteria provided, single submitter. Criteria: ACMG Guidelines, 2015. Collection method: clinical testing. Allele origin: germline. Affected: yes. Observed: 2 variant alleles.
Comment: ACMG criteria applied: PVS1, PM3, PM2_SUP

Revvity Omics, Revvity
Classification: Pathogenic. Last evaluated: 2022-01-26. Review status: criteria provided, single submitter. Criteria: ACMG Guidelines, 2015. Collection method: clinical testing. Allele origin: germline.

Athena Diagnostics
Classification: Pathogenic. Last evaluated: 2020-11-12. Review status: criteria provided, single submitter. Criteria: Athena Diagnostics criteria. Collection method: clinical testing. Allele origin: unknown.
Comment: This variant is expected to result in the loss of a functional protein. The frequency of this variant in the general population is consistent with pathogenicity. This variant has been identified in at least one individual with clinical features associated with this gene.

Ambry Genetics
Classification: Pathogenic for Inborn genetic diseases. Last evaluated: 2019-09-23. Review status: criteria provided, single submitter. Criteria: Ambry Variant Classification Scheme 2023. Collection method: clinical testing. Allele origin: germline.
Comment: The p.C715* variant (also known as c.2145T>A), located in coding exon 4 of the PRX gene, results from a T to A substitution at nucleotide position 2145. This changes the amino acid from a cysteine to a stop codon within coding exon 4. Additionally, unaffected siblings were either heterozygous or negative for the alteration (Takashima H et al. Ann. Neurol., 2002 Jun;51:709-15; Baets J et al. Brain, 2011 Sep;134:2664-76). Premature stop codons are typically deleterious in nature, however, this stop codon occurs at the 3' terminus of PRX, is not expected to trigger nonsense-mediated mRNA decay, and impacts the last 747 amino acids of the protein, which accounts for over 50% of the protein. Additional truncating alterations downstream of this alteration have been reported in the literature as disease-causing. In addition, the truncated region is suggested to be responsible for targeting the protein for ubiquitin-mediated proteolysis (Takashima H et al. Ann. Neurol., 2002 Jun;51:709-15). Studies in mice have also shown protein disruption when this C-terminal region is deleted (Sherman DL et al. Wellcome Open Res, 2018 Mar;3:20). As such, this alteration is interpreted as a disease-causing mutation.

Molecular Genetics Laboratory, London Health Sciences Centre
Classification: Pathogenic for Charcot-Marie-Tooth disease. Review status: criteria provided, single submitter. Criteria: ACMG Guidelines, 2015. Collection method: clinical testing. Allele origin: germline. Affected: yes.

OMIM
Classification: Pathogenic for CHARCOT-MARIE-TOOTH DISEASE, DEMYELINATING, TYPE 4F. Last evaluated: 2002-06-01. Review status: no assertion criteria provided. Collection method: literature only. Allele origin: germline. Not counted in ClinVar's aggregate classification.

GeneReviews
No classification provided. Condition: Charcot-Marie-Tooth disease type 4F. Review status: no classification provided. Collection method: literature only. Allele origin: unknown. Not counted in ClinVar's aggregate classification.

Literature cited by the submitters: PubMed 12112076 (cited by 5 submitters); PubMed 15197604 (cited by Labcorp Genetics (formerly Invitae), Labcorp and Mayo Clinic Laboratories, Mayo Clinic); PubMed 15469949 (cited by Labcorp Genetics (formerly Invitae), Labcorp and Athena Diagnostics); PubMed 16770524 (cited by Labcorp Genetics (formerly Invitae), Labcorp); PubMed 22847150 (cited by Labcorp Genetics (formerly Invitae), Labcorp and Athena Diagnostics); PubMed 26059842 (cited by Labcorp Genetics (formerly Invitae), Labcorp); PubMed 21840889 (cited by 3 submitters); PubMed 29623298 (cited by Ambry Genetics); PubMed 20301641 (cited by GeneReviews); NCBI Bookshelf NBK1468 (cited by GeneReviews).